The following is an entry in ClinVar:

NM_016642.4(SPTBN5):c.1331A>G (p.Asp444Gly)

Gene: SPTBN5 (spectrin beta, non-erythrocytic 5; minus strand). Cytogenetic location: 15q15.1.
Variant type: single nucleotide variant.
Coding change: c.1331A>G on transcript NM_016642.4 (MANE Select); coding-DNA position 1331, A replaced by G.
Protein change: p.Asp444Gly; replaces aspartic acid 444 with glycine.
Molecular consequence: missense variant.
Genome position (GRCh38, 1-based): chr15:41,885,924, T>C on the plus strand (A>G on the coding strand, the complement: SPTBN5 is on the minus strand). VCF-style: chr15-41885924-T-C. GRCh37 (hg19) VCF-style: chr15-42178122-T-C.
Other names: short protein forms D444G.
Identifiers: ClinVar variation 3060869 (VCV003060869.2), dbSNP rs2280016, ClinGen allele CA7504182.
Genomic context (GRCh38, chr15:41,885,924, plus strand): 5'-GCCTCCACTGTGGCCAGGCTGGCTGGCGGGGCTCTGGCCTGGTCTAGCACCTGCTCTGCA[T>C]CCTTAAGGAAACTCTCCCGGAGGGCTGCCTTGTGCTGGAAGCGCCGGGCCAGGGTTTCTA-3'
Protein context (NP_057726.4, residues 434-454): KAALRESFLK[Asp444Gly]AEQVLDQARA

ClinVar aggregate classification (germline): Benign (0 of 4 stars; one submission).

Conditions:
SPTBN5-related disorder. Also called: SPTBN5-related condition.

Allele frequency attached by ClinVar (database versions not stated): ESP Exome Variant Server 0.03609; gnomAD 0.04968; gnomAD exomes 0.05280; TOPMed 0.05673; 1000 Genomes Project 30x 0.07527; 1000 Genomes Project 0.07847; ExAC 0.11539.
gnomAD v4.1: 82,915 of 1,579,434 alleles (5.2%); highest among the groups gnomAD compares: East Asian, 18%; 2,804 homozygotes.

Submission:

PreventionGenetics, part of Exact Sciences
Classification: Benign for SPTBN5-related condition. Last evaluated: 2019-10-30. Review status: no assertion criteria provided. Collection method: clinical testing. Allele origin: germline.
Comment: This variant is classified as benign based on ACMG/AMP sequence variant interpretation guidelines (Richards et al. 2015 PMID: 25741868, with internal and published modifications).